The following is an entry in ClinVar:

NM_001297.5(CNGB1):c.3019G>C (p.Val1007Leu)

Gene: CNGB1 (cyclic nucleotide gated channel subunit beta 1; minus strand). Cytogenetic location: 16q21.
Variant type: single nucleotide variant.
Coding change: c.3019G>C on transcript NM_001297.5 (MANE Select); coding-DNA position 3019, G replaced by C.
Protein change: p.Val1007Leu; replaces valine 1007 with leucine.
Molecular consequence: missense variant.
Genome position (GRCh38, 1-based): chr16:57,897,872, C>G on the plus strand (G>C on the coding strand, the complement: CNGB1 is on the minus strand). VCF-style: chr16-57897872-C-G. GRCh37 (hg19) VCF-style: chr16-57931776-C-G.
Other names: c.3001G>C, p.Val1001Leu (NM_001286130.2); c.3019G>C (NM_001297.4); short protein forms V1007L, V1001L.
Identifiers: ClinVar variation 498900 (VCV000498900.9), dbSNP rs765061130, ClinGen allele CA396067486.

ClinVar aggregate classification (germline): Uncertain significance. Review status: criteria provided, multiple submitters, no conflicts (2 of 4 stars). 4 submissions from 4 submitters: Uncertain significance (4). Last evaluated 2024-12-02.

Conditions:
Inborn genetic diseases. Identifiers: MedGen C0950123, MeSH D030342.

Allele frequency attached by ClinVar (database versions not stated): TOPMed below 0.00001; gnomAD 0.00001.
gnomAD v4.1: 11 of 1,614,136 alleles (0.00068%); highest among the groups gnomAD compares: Admixed American, 0.005%; no homozygotes.

Submissions (4):

Ambry Genetics
Classification: Uncertain significance for Inborn genetic diseases. Last evaluated: 2024-12-02. Review status: criteria provided, single submitter. Criteria: Ambry Variant Classification Scheme 2023. Collection method: clinical testing. Allele origin: germline.

Labcorp Genetics (formerly Invitae), Labcorp
Classification: Uncertain significance. Last evaluated: 2024-05-01. Review status: criteria provided, single submitter. Criteria: Invitae Variant Classification Sherloc (09022015). Collection method: clinical testing. Allele origin: germline.
Comment: This sequence change replaces valine, which is neutral and non-polar, with leucine, which is neutral and non-polar, at codon 1007 of the CNGB1 protein (p.Val1007Leu). This variant is present in population databases (no rsID available, gnomAD 0.003%). This variant has not been reported in the literature in individuals affected with CNGB1-related conditions. ClinVar contains an entry for this variant (Variation ID: 498900). Advanced modeling of protein sequence and biophysical properties (such as structural, functional, and spatial information, amino acid conservation, physicochemical variation, residue mobility, and thermodynamic stability) performed at Invitae indicates that this missense variant is not expected to disrupt CNGB1 protein function with a negative predictive value of 80%. In summary, the available evidence is currently insufficient to determine the role of this variant in disease. Therefore, it has been classified as a Variant of Uncertain Significance.

Blueprint Genetics
Classification: Uncertain significance. Last evaluated: 2022-02-01. Review status: criteria provided, single submitter. Criteria: ACMG Guidelines, 2015. Collection method: clinical testing. Allele origin: germline.

Eurofins Ntd Llc (ga)
Classification: Uncertain significance. Last evaluated: 2017-01-03. Review status: criteria provided, single submitter. Criteria: EGL Classification Definitions 2015. Collection method: clinical testing. Allele origin: germline. Observed: 1 variant allele, 1 heterozygote.